The following is an entry in ClinVar:

NM_000256.3(MYBPC3):c.1632G>C (p.Lys544Asn)

Gene: MYBPC3 (myosin binding protein C3; minus strand). Cytogenetic location: 11p11.2.
Variant type: single nucleotide variant.
Coding change: c.1632G>C on transcript NM_000256.3 (MANE Select); coding-DNA position 1632, G replaced by C.
Protein change: p.Lys544Asn; replaces lysine 544 with asparagine.
Molecular consequence: missense variant.
Genome position (GRCh38, 1-based): chr11:47,342,149, C>G on the plus strand (G>C on the coding strand, the complement: MYBPC3 is on the minus strand). VCF-style: chr11-47342149-C-G. GRCh37 (hg19) VCF-style: chr11-47363700-C-G.
Other names: short protein forms K544N.
Identifiers: ClinVar variation 3075371 (VCV003075371.1), dbSNP rs2495761532, ClinGen allele CA380324488.

ClinVar aggregate classification (germline): Uncertain significance (1 of 4 stars; one submission).

Conditions:
Hypertrophic cardiomyopathy. Also called: HYPERTROPHIC MYOCARDIOPATHY. Identifiers: Orphanet 217569, MedGen C0007194, MeSH D002312, MONDO:0005045, HP:0001639.

Submission:

All of Us Research Program, National Institutes of Health
Classification: Uncertain significance for Hypertrophic cardiomyopathy. Last evaluated: 2024-01-11. Review status: criteria provided, single submitter. Criteria: ACMG Guidelines, 2015. Collection method: clinical testing. Allele origin: germline. Inheritance: Autosomal dominant inheritance. Observed: 1 variant allele, 1 heterozygote.
Comment: This study involves interpretation of variants in research participants for the purpose of population health screening. Participant phenotype was not available at the time of variant classification. Additional details can be found in publication PMID: 35346344, PMCID: PMC8962531